The following is an entry in ClinVar:

NM_003458.4(BSN):c.1575A>G (p.Leu525=)

Gene: BSN (bassoon presynaptic cytomatrix protein; plus strand). Cytogenetic location: 3p21.31.
Variant type: single nucleotide variant.
Coding change: c.1575A>G on transcript NM_003458.4 (MANE Select); coding-DNA position 1575, A replaced by G.
Protein change: p.Leu525=; no amino-acid change (leucine 525 retained).
Molecular consequence: synonymous variant.
Genome position (GRCh38, 1-based): chr3:49,650,668, A>G. VCF-style: chr3-49650668-A-G. GRCh37 (hg19) VCF-style: chr3-49688101-A-G.
Identifiers: ClinVar variation 3043303 (VCV003043303.2), dbSNP rs144296383, ClinGen allele CA2399617.

ClinVar aggregate classification (germline): Likely benign (0 of 4 stars; one submission).

Conditions:
BSN-related disorder. Also called: BSN-related condition.

Allele frequency attached by ClinVar (database versions not stated): ExAC 0.00004; gnomAD 0.00005; gnomAD exomes 0.00006; TOPMed 0.00007; ESP Exome Variant Server 0.00008; 1000 Genomes Project 30x 0.00016; 1000 Genomes Project 0.00020.
gnomAD v4.1: 102 of 1,610,178 alleles (0.0063%); highest among the groups gnomAD compares: Middle Eastern, 0.033%; no homozygotes.

Submission:

PreventionGenetics, part of Exact Sciences
Classification: Likely benign for BSN-related condition. Last evaluated: 2019-06-26. Review status: no assertion criteria provided. Collection method: clinical testing. Allele origin: germline.
Comment: This variant is classified as likely benign based on ACMG/AMP sequence variant interpretation guidelines (Richards et al. 2015 PMID: 25741868, with internal and published modifications).